The following is an entry in ClinVar:

NM_020795.4(NLGN2):c.1691G>A (p.Arg564His)

Gene: NLGN2 (neuroligin 2; plus strand). Cytogenetic location: 17p13.1.
Variant type: single nucleotide variant.
Coding change: c.1691G>A on transcript NM_020795.4 (MANE Select); coding-DNA position 1691, G replaced by A.
Protein change: p.Arg564His; replaces arginine 564 with histidine.
Molecular consequence: missense variant.
Genome position (GRCh38, 1-based): chr17:7,416,982, G>A. VCF-style: chr17-7416982-G-A. GRCh37 (hg19) VCF-style: chr17-7320301-G-A.
Other names: short protein forms R564H.
Identifiers: ClinVar variation 3719648 (VCV003719648.2).
Genomic context (GRCh38, chr17:7,416,982, plus strand): 5'-ACAGGGACCCCAACCAGCCGGTGCCGCAGGATACCAAGTTCATCCACACCAAGCCCAATC[G>A]CTTCGAGGAGGTGGTGTGGAGCAAATTCAACAGCAAGGAGAAGCAGTATCTGCACATAGG-3'
Protein context (NP_065846.1, residues 554-574): DTKFIHTKPN[Arg564His]FEEVVWSKFN

ClinVar aggregate classification (germline): Uncertain significance (1 of 4 stars; one submission).

Submission:

Labcorp Genetics (formerly Invitae), Labcorp
Classification: Uncertain significance. Last evaluated: 2024-09-12. Review status: criteria provided, single submitter. Criteria: Invitae Variant Classification Sherloc (09022015). Collection method: clinical testing. Allele origin: germline.
Comment: This sequence change replaces arginine, which is basic and polar, with histidine, which is basic and polar, at codon 564 of the NLGN2 protein (p.Arg564His). This variant is not present in population databases (gnomAD no frequency). This variant has not been reported in the literature in individuals affected with NLGN2-related conditions. Invitae Evidence Modeling of protein sequence and biophysical properties (such as structural, functional, and spatial information, amino acid conservation, physicochemical variation, residue mobility, and thermodynamic stability) has been performed for this missense variant. However, the output from this modeling did not meet the statistical confidence thresholds required to predict the impact of this variant on NLGN2 protein function. In summary, the available evidence is currently insufficient to determine the role of this variant in disease. Therefore, it has been classified as a Variant of Uncertain Significance.